The following is an entry in ClinVar:

NM_004360.5(CDH1):c.1610C>T (p.Pro537Leu)

Gene: CDH1 (cadherin 1; plus strand). Cytogenetic location: 16q22.1.
Variant type: single nucleotide variant.
Coding change: c.1610C>T on transcript NM_004360.5 (MANE Select); coding-DNA position 1610, C replaced by T.
Protein change: p.Pro537Leu; replaces proline 537 with leucine.
Molecular consequence: missense variant. On other transcripts: intron variant (1).
Genome position (GRCh38, 1-based): chr16:68,819,324, C>T. VCF-style: chr16-68819324-C-T. GRCh37 (hg19) VCF-style: chr16-68853227-C-T.
Other names: p.P537L:CCG>CTG; c.1427C>T, p.Pro476Leu (NM_001317184.2); c.62C>T, p.Pro21Leu (NM_001317185.2); c.-254-2677C>T (NM_001317186.2); c.1610C>T (LRG_301t1); short protein forms P537L, P21L, P476L.
Identifiers: ClinVar variation 182399 (VCV000182399.27), dbSNP rs730881667, ClinGen allele CA298995.

ClinVar aggregate classification (germline): Conflicting classifications of pathogenicity. Review status: criteria provided, conflicting classifications (1 of 4 stars). 9 submissions from 9 submitters: Uncertain significance (6); Likely benign (1). 2 of the submissions do not count toward it. Last evaluated 2026-01-11.

Conditions:
Hereditary cancer-predisposing syndrome. Also called: Tumor predisposition; Hereditary neoplastic syndrome; Neoplastic Syndromes, Hereditary; Hereditary Cancer Syndrome. Identifiers: Orphanet 140162, MedGen C0027672, MeSH D009386, MONDO:0015356.
Hereditary diffuse gastric adenocarcinoma (HDGC). Also called: DIFFUSE GASTRIC AND LOBULAR BREAST CANCER SYNDROME. Identifiers: Orphanet 26106, MedGen C1708349, MONDO:0007648, OMIM 137215.
Carcinoma of colon (CRC). Also called: Colonic carcinoma; Colon carcinoma. Identifiers: MedGen C0699790, MONDO:0002032.
Familial cancer of breast. Also called: hereditary breast carcinoma; BREAST CANCER, FAMILIAL; Hereditary breast cancer. Identifiers: Orphanet 227535, MedGen C0346153, MONDO:0016419, OMIM 114480. Disease mechanism: loss of function.

Allele frequency attached by ClinVar (database versions not stated): ExAC 0.00002; gnomAD exomes 0.00002 and 0.00001; TOPMed below 0.00001.
gnomAD v4.1: 14 of 1,614,084 alleles (0.00087%); highest among the groups gnomAD compares: East Asian, 0.0089%; no homozygotes.

Submissions (9):

Labcorp Genetics (formerly Invitae), Labcorp
Classification: Uncertain significance for Hereditary diffuse gastric adenocarcinoma. Last evaluated: 2026-01-11. Review status: criteria provided, single submitter. Criteria: Invitae Variant Classification Sherloc (09022015). Collection method: clinical testing. Allele origin: germline.
Comment: This sequence change replaces proline, which is neutral and non-polar, with leucine, which is neutral and non-polar, at codon 537 of the CDH1 protein (p.Pro537Leu). This variant is present in population databases (rs730881667, gnomAD 0.02%). This missense change has been observed in individual(s) with breast cancer (PMID: 30287823, 38652475). ClinVar contains an entry for this variant (Variation ID: 182399). An algorithm developed to predict the effect of missense changes on protein structure and function (PolyPhen-2) suggests that this variant is likely to be disruptive. In summary, the available evidence is currently insufficient to determine the role of this variant in disease. Therefore, it has been classified as a Variant of Uncertain Significance.

Color Diagnostics, LLC DBA Color Health
Classification: Uncertain significance for Hereditary cancer-predisposing syndrome. Last evaluated: 2025-01-07. Review status: criteria provided, single submitter. Criteria: ACMG Guidelines, 2015. Collection method: clinical testing. Allele origin: germline.
Comment: This missense variant replaces proline with leucine at codon 537 of the CDH1 protein. To our knowledge, functional studies have not been reported for this variant. This variant has been identified in 6/251484 chromosomes in the general population by the Genome Aggregation Database (gnomAD). The available evidence is insufficient to determine the role of this variant in disease conclusively. Therefore, this variant is classified as a Variant of Uncertain Significance.

Baylor Genetics
Classification: Uncertain significance for Familial cancer of breast. Last evaluated: 2024-01-05. Review status: criteria provided, single submitter. Criteria: ACMG Guidelines, 2015. Collection method: clinical testing. Allele origin: unknown.

Ambry Genetics
Classification: Likely benign for Hereditary cancer-predisposing syndrome. Last evaluated: 2023-06-05. Review status: criteria provided, single submitter. Criteria: Ambry Variant Classification Scheme 2023. Collection method: clinical testing. Allele origin: germline.

Myriad Genetics, Inc.
Classification: Uncertain significance for Hereditary diffuse gastric adenocarcinoma. Last evaluated: 2023-03-06. Review status: criteria provided, single submitter. Criteria: Myriad Autosomal Dominant, Autosomal Recessive and X-Linked Classification Criteria (2023). Collection method: clinical testing. Allele origin: unknown.
Comment: This variant is classified as a variant of uncertain significance as there is insufficient evidence to determine its impact on protein function and/or cancer risk.

GeneDx
Classification: Uncertain significance. Last evaluated: 2018-08-28. Review status: criteria provided, single submitter. Criteria: GeneDx Variant Classification (06012015). Collection method: clinical testing. Allele origin: germline. Affected: yes.
Comment: This variant is denoted CDH1 c.1610C>T at the cDNA level, p.Pro537Leu (P537L) at the protein level, and results in the change of a Proline to a Leucine (CCG>CTG). This variant has not, to our knowledge, been published in the literature as a pathogenic or benign germline variant. CDH1 Pro537Leu was not observed at a significant allele frequency in large population cohorts (Lek 2016). This variant is located in the cadherin 4 domain (Brooks-Wilson 2004, Figueiredo 2013, UniProt). In silico analysis, which includes protein predictors and evolutionary conservation, supports a deleterious effect. Based on currently available evidence, it is unclear whether CDH1 Pro537Leu is a pathogenic or benign variant. We consider it to be a variant of uncertain significance.

Breakthrough Genomics
Classification: Uncertain significance. Review status: criteria provided, single submitter. Criteria: ACMG Guidelines, 2015. Collection method: not provided. Allele origin: germline. Inheritance: Autosomal dominant inheritance. Affected: yes.

Counsyl
Classification: Uncertain significance for Hereditary diffuse gastric adenocarcinoma. Last evaluated: 2018-04-10. Review status: no assertion criteria provided. Collection method: clinical testing. Allele origin: unknown. Not counted in ClinVar's aggregate classification.

Department of Pathology and Laboratory Medicine, Sinai Health System
Classification: Uncertain significance for Carcinoma of colon. Review status: no assertion criteria provided. Collection method: clinical testing. Allele origin: unknown. Affected: yes. Study: The Canadian Open Genetics Repository (COGR). Not counted in ClinVar's aggregate classification.
Comment: The CDH1 p.Pro537Leu variant was not identified in the literature. The variant was identified in dbSNP (ID: rs730881667) as "With Uncertain significance alleleâ€šÃ„Ã¹, ClinVar (classified as uncertain significance by Invitae, GeneDx, Ambry Genetics, Color and Counsyl). The variant was identified in control databases in 7 of 246266 chromosomes at a frequency of 0.00003 (Genome Aggregation Database Feb 27, 2017). The variant was observed in the following populations: European in 3 of 111716 chromosomes (freq: 0.00003) and East Asian in 4 of 17248 chromosomes (freq: 0.0002), while the variant was not observed in the African, Other, Latino, Ashkenazi Jewish, Finnish, or South Asian populations. The p.Pro537 residue is conserved in mammals and computational analyses (PolyPhen-2, SIFT, AlignGVGD, BLOSUM, MutationTaster) provide inconsistent predictions regarding the impact to the protein; this information is not very predictive of pathogenicity. The variant occurs outside of the splicing consensus sequence and in silico or computational prediction software programs (SpliceSiteFinder, MaxEntScan, NNSPLICE, GeneSplicer) do not predict a difference in splicing. In summary, based on the above information, the clinical significance of this variant cannot be determined with certainty at this time. This variant is classified as a variant of uncertain significance.

Literature cited by the submitters: PubMed 30287823 (cited by Labcorp Genetics (formerly Invitae), Labcorp and Color Diagnostics, LLC DBA Color Health); PubMed 38652475 (cited by Labcorp Genetics (formerly Invitae), Labcorp); PubMed 25583476 (cited by Color Diagnostics, LLC DBA Color Health).